The following is an entry in ClinVar:

ClinVar aggregate classification (germline): Conflicting classifications of pathogenicity. Review status: criteria provided, conflicting classifications (1 of 4 stars). 5 submissions from 5 submitters: Uncertain significance (1); Likely benign (4). Last evaluated 2026-07-01.

Conditions:
Inborn genetic diseases. Identifiers: MedGen C0950123, MeSH D030342.

Allele frequency attached by ClinVar (database versions not stated): ESP Exome Variant Server 0.00008; gnomAD 0.00015 and 0.00016; TOPMed 0.00015; ExAC 0.00019; gnomAD exomes 0.00020.
gnomAD v4.1: 312 of 1,613,652 alleles (0.019%); highest among the groups gnomAD compares: Middle Eastern, 0.033%; 1 homozygote.

Submissions (5):

CeGaT Center for Human Genetics Tuebingen
Classification: Likely benign. Last evaluated: 2026-07-01. Review status: criteria provided, single submitter. Criteria: CeGaT Center For Human Genetics Tuebingen Variant Classification Criteria Version 2. Collection method: clinical testing. Allele origin: germline. Affected: yes. Observed: 5 variant alleles.
Comment: SCN3A: PP3, BS2

Labcorp Genetics (formerly Invitae), Labcorp
Classification: Likely benign. Last evaluated: 2025-12-18. Review status: criteria provided, single submitter. Criteria: Invitae Variant Classification Sherloc (09022015). Collection method: clinical testing. Allele origin: germline.

Laboratory of Genetics, Children's Clinical University Hospital Latvia
Classification: Likely benign. Last evaluated: 2025-02-16. Review status: criteria provided, single submitter. Criteria: ACMG Guidelines, 2015. Collection method: clinical testing. Allele origin: germline. Affected: yes.

Ambry Genetics
Classification: Likely benign for Inborn genetic diseases. Last evaluated: 2023-11-16. Review status: criteria provided, single submitter. Criteria: Ambry Variant Classification Scheme 2023. Collection method: clinical testing. Allele origin: germline.

GeneDx
Classification: Uncertain significance. Last evaluated: 2023-11-08. Review status: criteria provided, single submitter. Criteria: GeneDx Variant Classification Process June 2021. Collection method: clinical testing. Allele origin: germline. Affected: yes.
Comment: In silico analysis supports that this missense variant has a deleterious effect on protein structure/function; Has not been previously published as pathogenic or benign to our knowledge

NM_006922.4(SCN3A):c.1687C>T (p.Arg563Cys)

Gene: SCN3A (sodium voltage-gated channel alpha subunit 3; minus strand). Cytogenetic location: 2q24.3.
Variant type: single nucleotide variant.
Coding change: c.1687C>T on transcript NM_006922.4 (MANE Select); coding-DNA position 1687, C replaced by T.
Protein change: p.Arg563Cys; replaces arginine 563 with cysteine.
Molecular consequence: missense variant.
Genome position (GRCh38, 1-based): chr2:165,140,983, G>A on the plus strand (C>T on the coding strand, the complement: SCN3A is on the minus strand). VCF-style: chr2-165140983-G-A. GRCh37 (hg19) VCF-style: chr2-165997493-G-A.
Other names: c.1687C>T, p.Arg563Cys (NM_001081676.2, NM_001081677.2); short protein forms R563C.
Identifiers: ClinVar variation 403867 (VCV000403867.51), dbSNP rs202004044, ClinGen allele CA1939100.
Genomic context (GRCh38, chr2:165,140,983, plus strand): 5'-GACCTCTGAAACTGAAAATGCTTGTTTTGCTATTGCGTCTTGGGGAAAACAGGGAGCCAC[G>A]GATACTCAAGAGAGACTGCAGAGAAAGCAAAAAGGAAAGGAATGGGATGGGGGTAGGGGA-3'
Protein context (NP_008853.3, residues 553-573): CSPHQSLLSI[Arg563Cys]GSLFSPRRNS